The following is an entry in ClinVar:

NM_005419.4(STAT2):c.274C>T (p.Arg92Trp)

Gene: STAT2 (signal transducer and activator of transcription 2; minus strand). Cytogenetic location: 12q13.3.
Variant type: single nucleotide variant.
Coding change: c.274C>T on transcript NM_005419.4 (MANE Select); coding-DNA position 274, C replaced by T.
Protein change: p.Arg92Trp; replaces arginine 92 with tryptophan.
Molecular consequence: missense variant.
Genome position (GRCh38, 1-based): chr12:56,356,143, G>A on the plus strand (C>T on the coding strand, the complement: STAT2 is on the minus strand). VCF-style: chr12-56356143-G-A. GRCh37 (hg19) VCF-style: chr12-56749927-G-A.
Other names: c.274C>T, p.Arg92Trp (NM_198332.2); short protein forms R92W.
Identifiers: ClinVar variation 978516 (VCV000978516.7), dbSNP rs746815427, ClinGen allele CA6630922.
Genomic context (GRCh38, chr12:56,356,143, plus strand): 5'-TATGCTCAGCTCCCAGTGCTACCCCATCACTCCCAACCGTTCCAAGTACCTGAATGTCCC[G>A]GCAGAATTTCCGCAAATTGTGCTGCAGCAACAAGGACTCTGGGTCCTGGCTGCAACGGCC-3'
Protein context (NP_005410.1, residues 82-102): LLQHNLRKFC[Arg92Trp]DIQPFSQDPT

ClinVar aggregate classification (germline): Uncertain significance (1 of 4 stars; one submission).

Conditions:
Primary immunodeficiency with post-measles-mumps-rubella vaccine viral infection. Also called: Immunodeficiency 44. Identifiers: Orphanet 431166, MedGen C4225260, MONDO:0014715, OMIM 616636.

Allele frequency attached by ClinVar (database versions not stated): ExAC 0.00002; gnomAD 0.00002; gnomAD exomes 0.00002; TOPMed 0.00002.

Submission:

Labcorp Genetics (formerly Invitae), Labcorp
Classification: Uncertain significance for Primary immunodeficiency with post-measles-mumps-rubella vaccine viral infection. Last evaluated: 2023-08-17. Review status: criteria provided, single submitter. Criteria: Invitae Variant Classification Sherloc (09022015). Collection method: clinical testing. Allele origin: germline.
Comment: In summary, the available evidence is currently insufficient to determine the role of this variant in disease. Therefore, it has been classified as a Variant of Uncertain Significance. Advanced modeling of protein sequence and biophysical properties (such as structural, functional, and spatial information, amino acid conservation, physicochemical variation, residue mobility, and thermodynamic stability) performed at Invitae indicates that this missense variant is expected to disrupt STAT2 protein function. ClinVar contains an entry for this variant (Variation ID: 978516). This variant has not been reported in the literature in individuals affected with STAT2-related conditions. This variant is present in population databases (rs746815427, gnomAD 0.007%). This sequence change replaces arginine, which is basic and polar, with tryptophan, which is neutral and slightly polar, at codon 92 of the STAT2 protein (p.Arg92Trp).